The following is an entry in ClinVar:

ClinVar aggregate classification (germline): Uncertain significance (1 of 4 stars; one submission).

Allele frequency attached by ClinVar (database versions not stated): ExAC 0.00004; gnomAD exomes 0.00005; gnomAD 0.00015 and 0.00016; TOPMed 0.00015; ESP Exome Variant Server 0.00017; 1000 Genomes Project 30x 0.00031; 1000 Genomes Project 0.00040.
gnomAD v4.1: 57 of 1,612,242 alleles (0.0035%); highest among the groups gnomAD compares: African/African-American, 0.051%; no homozygotes.

Submission:

GeneDx
Classification: Uncertain significance. Last evaluated: 2022-07-25. Review status: criteria provided, single submitter. Criteria: GeneDx Variant Classification Process June 2021. Collection method: clinical testing. Allele origin: germline. Affected: yes.
Comment: In silico analysis supports that this missense variant does not alter protein structure/function; Has not been previously published as pathogenic or benign to our knowledge

NM_001377.3(DYNC2H1):c.12376G>A (p.Ala4126Thr)

Gene: DYNC2H1 (dynein cytoplasmic 2 heavy chain 1; plus strand). Cytogenetic location: 11q22.3.
Variant type: single nucleotide variant.
Coding change: c.12376G>A on transcript NM_001377.3 (MANE Select); coding-DNA position 12376, G replaced by A.
Protein change: p.Ala4126Thr; replaces alanine 4126 with threonine.
Molecular consequence: missense variant.
Genome position (GRCh38, 1-based): chr11:103,435,952, G>A. VCF-style: chr11-103435952-G-A. GRCh37 (hg19) VCF-style: chr11-103306680-G-A.
Other names: c.12397G>A, p.Ala4133Thr (NM_001080463.2); short protein forms A4126T, A4133T.
Identifiers: ClinVar variation 1697988 (VCV001697988.2), dbSNP rs200636241, ClinGen allele CA6255539.